The following is an entry in ClinVar:

ClinVar aggregate classification (germline): Uncertain significance. Review status: criteria provided, multiple submitters, no conflicts (2 of 4 stars). 2 submissions from 2 submitters: Uncertain significance (2). Last evaluated 2026-07-24.

Conditions:
Inborn genetic diseases. Identifiers: MedGen C0950123, MeSH D030342.
DBH-related disorder. Also called: DBH-related condition.

Allele frequency attached by ClinVar (database versions not stated): gnomAD exomes below 0.00001; TOPMed 0.00002.
gnomAD v4.1: 2 of 1,613,920 alleles (0.00012%); highest among the groups gnomAD compares: Non-Finnish European, 0.00017%; no homozygotes.

Submissions (2):

PreventionGenetics, part of Exact Sciences
Classification: Uncertain significance for DBH-related condition. Last evaluated: 2026-07-24. Review status: criteria provided, single submitter. Criteria: ACMG Guidelines, 2015. Collection method: clinical testing. Allele origin: germline.
Comment: The DBH c.772G>A variant is predicted to result in the amino acid substitution p.Glu258Lys. To our knowledge, this variant has not been reported in the literature or in a large population database (gnomAD), indicating this variant is rare. At this time, the clinical significance of this variant is uncertain due to the absence of conclusive functional and genetic evidence.

Ambry Genetics
Classification: Uncertain significance for Inborn genetic diseases. Last evaluated: 2022-02-11. Review status: criteria provided, single submitter. Criteria: Ambry Variant Classification Scheme 2023. Collection method: clinical testing. Allele origin: germline.

NM_000787.4(DBH):c.772G>A (p.Glu258Lys)

Gene: DBH (dopamine beta-hydroxylase; plus strand). Cytogenetic location: 9q34.2.
Variant type: single nucleotide variant.
Coding change: c.772G>A on transcript NM_000787.4 (MANE Select); coding-DNA position 772, G replaced by A.
Protein change: p.Glu258Lys; replaces glutamic acid 258 with lysine.
Molecular consequence: missense variant.
Genome position (GRCh38, 1-based): chr9:133,643,440, G>A. VCF-style: chr9-133643440-G-A. GRCh37 (hg19) VCF-style: chr9-136508562-G-A.
Other names: short protein forms E258K.
Identifiers: ClinVar variation 2277120 (VCV002277120.3), dbSNP rs1036131258, ClinGen allele CA200962805.